The following is an entry in ClinVar:

ClinVar aggregate classification (germline): Benign/Likely benign. Review status: criteria provided, multiple submitters, no conflicts (2 of 4 stars). 4 submissions from 4 submitters: Benign (1); Likely benign (2). 1 of the submissions does not count toward it. Last evaluated 2026-01-05.

Conditions:
Acute infantile liver failure due to synthesis defect of mtDNA-encoded proteins. Also called: Liver failure acute infantile; TRMU Deficiency; LIVER FAILURE, INFANTILE, TRANSIENT. Identifiers: Orphanet 217371, MedGen C3278664, MONDO:0013111, OMIM 613070.

Allele frequency attached by ClinVar (database versions not stated): 1000 Genomes Project 0.00040; TOPMed 0.00041; 1000 Genomes Project 30x 0.00047.
gnomAD v4.1: 382 of 1,614,232 alleles (0.024%); highest among the groups gnomAD compares: Admixed American, 0.6%; 2 homozygotes.

Submissions (4):

Labcorp Genetics (formerly Invitae), Labcorp
Classification: Benign. Last evaluated: 2026-01-05. Review status: criteria provided, single submitter. Criteria: Invitae Variant Classification Sherloc (09022015). Collection method: clinical testing. Allele origin: germline.

Blueprint Genetics
Classification: Likely benign. Last evaluated: 2022-11-15. Review status: criteria provided, single submitter. Criteria: ACMG Guidelines, 2015. Collection method: clinical testing. Allele origin: germline.

GeneDx
Classification: Likely benign. Last evaluated: 2017-10-05. Review status: criteria provided, single submitter. Criteria: GeneDx Variant Classification (06012015). Collection method: clinical testing. Allele origin: germline. Affected: yes.
Comment: This variant is considered likely benign or benign based on one or more of the following criteria: it is a conservative change, it occurs at a poorly conserved position in the protein, it is predicted to be benign by multiple in silico algorithms, and/or has population frequency not consistent with disease.

Natera, Inc.
Classification: Benign for Acute infantile liver failure due to synthesis defect of mtDNA-encoded proteins. Last evaluated: 2019-12-10. Review status: no assertion criteria provided. Collection method: clinical testing. Allele origin: germline. Not counted in ClinVar's aggregate classification.

NM_018006.5(TRMU):c.567C>G (p.Ile189Met)

Gene: TRMU (tRNA mitochondrial 2-thiouridylase; plus strand). Cytogenetic location: 22q13.31.
Variant type: single nucleotide variant.
Coding change: c.567C>G on transcript NM_018006.5 (MANE Select); coding-DNA position 567, C replaced by G.
Protein change: p.Ile189Met; replaces isoleucine 189 with methionine.
Molecular consequence: missense variant. On other transcripts: non-coding transcript variant (2).
Genome position (GRCh38, 1-based): chr22:46,350,379, C>G. VCF-style: chr22-46350379-C-G. GRCh37 (hg19) VCF-style: chr22-46746276-C-G.
Other names: c.225C>G, p.Ile75Met (NM_001282782.2); c.147C>G, p.Ile49Met (NM_001282783.2, NM_001282784.2); c.567C>G, p.Ile189Met (NM_001282785.2); short protein forms I189M, I75M, I49M.
Identifiers: ClinVar variation 378761 (VCV000378761.14), dbSNP rs192537315, ClinGen allele CA10292094.